The following is an entry in ClinVar:

NM_006363.6(SEC23B):c.221+2T>C

Gene: SEC23B (SEC23 homolog B, COPII component; plus strand). Cytogenetic location: 20p11.23.
Variant type: single nucleotide variant.
Coding change: c.221+2T>C on transcript NM_006363.6 (MANE Select); the canonical splice donor site of the intron after coding-DNA position 221, T replaced by C.
Molecular consequence: splice donor variant.
Genome position (GRCh38, 1-based): chr20:18,511,058, T>C. VCF-style: chr20-18511058-T-C. GRCh37 (hg19) VCF-style: chr20-18491702-T-C.
Other names: c.221+2T>C (NM_032986.5, NM_001172745.3, NM_032985.6 and 1 more transcripts).
Identifiers: ClinVar variation 3257448 (VCV003257448.17).
Genomic context (GRCh38, chr20:18,511,058, plus strand): 5'-CAATATGAACCTGTGCTTTGCAGCAGGCCAACTTGTAAAGCTGTTCTCAACCCACTTTGG[T>C]ATGGATTCTTTTGAAACTGGTAAAAATGATAAATACAATATATTATGAATTTTATGTGAT-3'

ClinVar aggregate classification (germline): Pathogenic (1 of 4 stars; one submission).

Submission:

CeGaT Center for Human Genetics Tuebingen
Classification: Pathogenic. Last evaluated: 2024-07-01. Review status: criteria provided, single submitter. Criteria: CeGaT Center For Human Genetics Tuebingen Variant Classification Criteria Version 2. Collection method: clinical testing. Allele origin: germline. Affected: yes. Observed: 1 variant allele.
Comment: SEC23B: PVS1, PM2